The following is an entry in ClinVar:

NM_001267550.2(TTN):c.87253C>T (p.Leu29085Phe)

Genes: TTN (titin; minus strand), TTN-AS1 (TTN antisense RNA 1; plus strand). Cytogenetic location: 2q31.2.
Variant type: single nucleotide variant.
Coding change: c.87253C>T on transcript NM_001267550.2 (MANE Select); coding-DNA position 87253, C replaced by T.
Protein change: p.Leu29085Phe; replaces leucine 29085 with phenylalanine.
Molecular consequence: missense variant.
Genome position (GRCh38, 1-based): chr2:178,558,101, G>A on the plus strand (C>T on the coding strand, the complement: TTN is on the minus strand). VCF-style: chr2-178558101-G-A. GRCh37 (hg19) VCF-style: chr2-179422828-G-A.
Other names: c.87253C>T (LRG_391t1); c.82330C>T, p.Leu27444Phe (NM_001256850.1); c.60058C>T, p.Leu20020Phe (NM_003319.4); c.79549C>T, p.Leu26517Phe (NM_133378.4); c.60433C>T, p.Leu20145Phe (NM_133432.3); c.60634C>T, p.Leu20212Phe (NM_133437.4); short protein forms L29085F, L20145F, L26517F, L20212F, L27444F, L20020F.
Identifiers: ClinVar variation 448827 (VCV000448827.7), dbSNP rs376026291, ClinGen allele CA60981841.

ClinVar aggregate classification (germline): Uncertain significance. Review status: criteria provided, multiple submitters, no conflicts (2 of 4 stars). 4 submissions from 4 submitters: Uncertain significance (4). Last evaluated 2025-06-06.

Conditions:
TTN-related disorder. Also called: TTN-related condition; TTN-related disease; TTN-related disorders.

Allele frequency attached by ClinVar (database versions not stated): TOPMed 0.00001; gnomAD 0.00002; ESP Exome Variant Server 0.00008.
gnomAD v4.1: 71 of 1,613,744 alleles (0.0044%); highest among the groups gnomAD compares: Non-Finnish European, 0.0058%; no homozygotes.

Submissions (4):

PreventionGenetics, part of Exact Sciences
Classification: Uncertain significance for TTN-related condition. Last evaluated: 2025-06-06. Review status: criteria provided, single submitter. Criteria: ACMG Guidelines, 2015. Collection method: clinical testing. Allele origin: germline.
Comment: The TTN c.87253C>T variant is predicted to result in the amino acid substitution p.Leu29085Phe. To our knowledge, this variant has not been reported in the literature. This variant is reported in 0.00089% of alleles in individuals of European (Non-Finnish) descent in gnomAD. At this time, the clinical significance of this variant is uncertain due to the absence of conclusive functional and genetic evidence.

GeneDx
Classification: Uncertain significance. Last evaluated: 2024-01-19. Review status: criteria provided, single submitter. Criteria: GeneDx Variant Classification Process June 2021. Collection method: clinical testing. Allele origin: germline. Affected: yes.
Comment: Not observed at significant frequency in large population cohorts (gnomAD); Missense variant in a gene in which most reported pathogenic variants are truncating/loss of function; Has not been previously published as pathogenic or benign to our knowledge

Revvity Omics, Revvity
Classification: Uncertain significance. Last evaluated: 2021-02-12. Review status: criteria provided, single submitter. Criteria: ACMG Guidelines, 2015. Collection method: clinical testing. Allele origin: germline.

Athena Diagnostics
Classification: Uncertain significance. Last evaluated: 2019-12-31. Review status: criteria provided, single submitter. Criteria: Athena Diagnostics Criteria. Collection method: clinical testing. Allele origin: unknown.